The following is an entry in ClinVar:

ClinVar aggregate classification (germline): Uncertain significance (1 of 4 stars; one submission).

Conditions:
Developmental and epileptic encephalopathy 94 (DEE94). Also called: Epileptic encephalopathy, childhood-onset; CHD2-Related Neurodevelopmental Disorders. Identifiers: Orphanet 1942, Orphanet 2382, MedGen C3809278, MONDO:0014150, OMIM 615369.

gnomAD v4.1: 1 of 1,583,772 alleles (0.000063%); highest among the groups gnomAD compares: African/African-American, 0.0014%; no homozygotes.

Submission:

Labcorp Genetics (formerly Invitae), Labcorp
Classification: Uncertain significance for Developmental and epileptic encephalopathy 94. Last evaluated: 2025-03-16. Review status: criteria provided, single submitter. Criteria: Invitae Variant Classification Sherloc (09022015). Collection method: clinical testing. Allele origin: germline.
Comment: This sequence change replaces glutamine, which is neutral and polar, with glutamic acid, which is acidic and polar, at codon 395 of the CHD2 protein (p.Gln395Glu). This variant is not present in population databases (gnomAD no frequency). This variant has not been reported in the literature in individuals affected with CHD2-related conditions. Invitae Evidence Modeling of protein sequence and biophysical properties (such as structural, functional, and spatial information, amino acid conservation, physicochemical variation, residue mobility, and thermodynamic stability) indicates that this missense variant is not expected to disrupt CHD2 protein function with a negative predictive value of 95%. In summary, the available evidence is currently insufficient to determine the role of this variant in disease. Therefore, it has been classified as a Variant of Uncertain Significance.

NM_001271.4(CHD2):c.1183C>G (p.Gln395Glu)

Gene: CHD2 (chromodomain helicase DNA binding protein 2; plus strand). Cytogenetic location: 15q26.1.
Variant type: single nucleotide variant.
Coding change: c.1183C>G on transcript NM_001271.4 (MANE Select); coding-DNA position 1183, C replaced by G.
Protein change: p.Gln395Glu; replaces glutamine 395 with glutamic acid.
Molecular consequence: missense variant.
Genome position (GRCh38, 1-based): chr15:92,945,850, C>G. VCF-style: chr15-92945850-C-G. GRCh37 (hg19) VCF-style: chr15-93489080-C-G.
Other names: c.1183C>G, p.Gln395Glu (NM_001042572.3); short protein forms Q395E.
Identifiers: ClinVar variation 4802431 (VCV004802431.1).
Genomic context (GRCh38, chr15:92,945,850, plus strand): 5'-AACTTTTCTGTCTTATTTTTTATTTGTTTAGCTGTGAAGACAAGTAAATCTACATTGGGT[C>G]AAACAGATTTTCCAGGTAAGCAAGAAATTTTATTTATAAATGTTCTTCAACATTTCAGAA-3'
Protein context (NP_001262.3, residues 385-405): AVKTSKSTLG[Gln395Glu]TDFPAHSRKP